The following is an entry in ClinVar:

NM_006949.4(STXBP2):c.429+18C>G

Gene: STXBP2 (syntaxin binding protein 2; plus strand). Cytogenetic location: 19p13.2.
Variant type: single nucleotide variant.
Coding change: c.429+18C>G on transcript NM_006949.4 (MANE Select); 18 bases into the intron after coding-DNA position 429, C replaced by G.
Molecular consequence: intron variant.
Genome position (GRCh38, 1-based): chr19:7,641,021, C>G. VCF-style: chr19-7641021-C-G. GRCh37 (hg19) VCF-style: chr19-7705907-C-G.
Other names: c.333+18C>G (NM_001414484.1); c.462+18C>G (NM_001272034.2); c.420+18C>G (NM_001127396.3).
Identifiers: ClinVar variation 2637584 (VCV002637584.1), dbSNP rs2512692781, ClinGen allele CA403157813.

ClinVar aggregate classification (germline): Likely benign (1 of 4 stars; one submission).

Submission:

Women's Health and Genetics/Laboratory Corporation of America, LabCorp
Classification: Likely benign. Last evaluated: 2023-10-31. Review status: criteria provided, single submitter. Criteria: LabCorp Variant Classification Summary - May 2015. Collection method: clinical testing. Allele origin: germline.
Comment: Variant summary: STXBP2 c.429+18C>G alters a non-conserved nucleotide located at a position not widely known to affect splicing. Consensus agreement among computation tools predict no significant impact on normal splicing. However, these predictions have yet to be confirmed by functional studies. The variant was absent in 249996 control chromosomes. The available data on variant occurrences in the general population are insufficient to allow any conclusion about variant significance. To our knowledge, no occurrence of c.429+18C>G in individuals affected with Familial Hemophagocytic Lymphohistiocytosis and no experimental evidence demonstrating its impact on protein function have been reported. No submitters have cited clinical-significance assessments for this variant to ClinVar after 2014. Based on the evidence outlined above, the variant was classified as likely benign.